The following is an entry in ClinVar:

NM_002354.3(EPCAM):c.512C>T (p.Thr171Ile)

Gene: EPCAM (epithelial cell adhesion molecule; plus strand). Cytogenetic location: 2p21.
Variant type: single nucleotide variant.
Coding change: c.512C>T on transcript NM_002354.3 (MANE Select); coding-DNA position 512, C replaced by T.
Protein change: p.Thr171Ile; replaces threonine 171 with isoleucine.
Molecular consequence: missense variant.
Genome position (GRCh38, 1-based): chr2:47,377,034, C>T. VCF-style: chr2-47377034-C-T. GRCh37 (hg19) VCF-style: chr2-47604173-C-T.
Other names: short protein forms T171I.
Identifiers: ClinVar variation 3509155 (VCV003509155.1).

ClinVar aggregate classification (germline): Uncertain significance (1 of 4 stars; one submission).

Conditions:
Hereditary cancer-predisposing syndrome. Also called: Tumor predisposition; Neoplastic Syndromes, Hereditary; Hereditary Cancer Syndrome; Hereditary neoplastic syndrome. Identifiers: Orphanet 140162, MedGen C0027672, MeSH D009386, MONDO:0015356.

gnomAD v4.1: 1 of 1,610,794 alleles (0.000062%); highest among the groups gnomAD compares: East Asian, 0.0022%; no homozygotes.

Submission:

Ambry Genetics
Classification: Uncertain significance for Hereditary cancer-predisposing syndrome. Last evaluated: 2024-07-18. Review status: criteria provided, single submitter. Criteria: Ambry Variant Classification Scheme 2023. Collection method: clinical testing. Allele origin: germline.
Comment: The p.T171I variant (also known as c.512C>T), located in coding exon 5 of the EPCAM gene, results from a C to T substitution at nucleotide position 512. The threonine at codon 171 is replaced by isoleucine, an amino acid with similar properties. This amino acid position is conserved. In addition, this alteration is predicted to be tolerated by in silico analysis. Based on the available evidence, the clinical significance of this variant remains unclear.